The following is an entry in ClinVar:

ClinVar aggregate classification (germline): Uncertain significance (1 of 4 stars; one submission).

Submission:

Labcorp Genetics (formerly Invitae), Labcorp
Classification: Uncertain significance. Last evaluated: 2025-04-11. Review status: criteria provided, single submitter. Criteria: Invitae Variant Classification Sherloc (09022015). Collection method: clinical testing. Allele origin: germline.
Comment: This sequence change replaces valine, which is neutral and non-polar, with isoleucine, which is neutral and non-polar, at codon 117 of the ROM1 protein (p.Val117Ile). This variant is present in population databases (rs557271644, gnomAD 0.01%). This variant has not been reported in the literature in individuals affected with ROM1-related conditions. Invitae Evidence Modeling of protein sequence and biophysical properties (such as structural, functional, and spatial information, amino acid conservation, physicochemical variation, residue mobility, and thermodynamic stability) indicates that this missense variant is not expected to disrupt ROM1 protein function with a negative predictive value of 80%. In summary, the available evidence is currently insufficient to determine the role of this variant in disease. Therefore, it has been classified as a Variant of Uncertain Significance.

NM_000327.4(ROM1):c.349G>A (p.Val117Ile)

Gene: ROM1 (retinal outer segment membrane protein 1; plus strand). Cytogenetic location: 11q12.3.
Variant type: single nucleotide variant.
Coding change: c.349G>A on transcript NM_000327.4 (MANE Select); coding-DNA position 349, G replaced by A.
Protein change: p.Val117Ile; replaces valine 117 with isoleucine.
Molecular consequence: missense variant.
Genome position (GRCh38, 1-based): chr11:62,613,630, G>A. VCF-style: chr11-62613630-G-A. GRCh37 (hg19) VCF-style: chr11-62381102-G-A.
Other names: short protein forms V117I.
Identifiers: ClinVar variation 4697280 (VCV004697280.1).